The following is an entry in ClinVar:

NM_014264.5(PLK4):c.1364A>G (p.Asn455Ser)

Gene: PLK4 (polo like kinase 4; plus strand). Cytogenetic location: 4q28.1.
Variant type: single nucleotide variant.
Coding change: c.1364A>G on transcript NM_014264.5 (MANE Select); coding-DNA position 1364, A replaced by G.
Protein change: p.Asn455Ser; replaces asparagine 455 with serine.
Molecular consequence: missense variant.
Genome position (GRCh38, 1-based): chr4:127,887,401, A>G. VCF-style: chr4-127887401-A-G. GRCh37 (hg19) VCF-style: chr4-128808556-A-G.
Other names: c.1268A>G, p.Asn423Ser (NM_001190799.2); c.1241A>G, p.Asn414Ser (NM_001190801.2); short protein forms N423S, N414S, N455S.
Identifiers: ClinVar variation 736371 (VCV000736371.15), dbSNP rs373379984, ClinGen allele CA3076755.

ClinVar aggregate classification (germline): Benign/Likely benign. Review status: criteria provided, multiple submitters, no conflicts (2 of 4 stars). 4 submissions from 4 submitters: Benign (2); Likely benign (1). 1 of the submissions does not count toward it. Last evaluated 2025-11-27.

Conditions:
PLK4-related disorder. Also called: PLK4-related condition.
Inborn genetic diseases. Identifiers: MedGen C0950123, MeSH D030342.

Allele frequency attached by ClinVar (database versions not stated): ESP Exome Variant Server 0.00015; gnomAD 0.00019 and 0.00038; TOPMed 0.00019; gnomAD exomes 0.00078; ExAC 0.00122; 1000 Genomes Project 0.00140; 1000 Genomes Project 30x 0.00141.
gnomAD v4.1: 597 of 1,598,582 alleles (0.037%); highest among the groups gnomAD compares: South Asian, 0.52%; 7 homozygotes.

Submissions (5):

Labcorp Genetics (formerly Invitae), Labcorp
Classification: Benign. Last evaluated: 2025-11-27. Review status: criteria provided, single submitter. Criteria: Invitae Variant Classification Sherloc (09022015). Collection method: clinical testing. Allele origin: germline.

Ambry Genetics
Classification: Likely benign for Inborn genetic diseases. Last evaluated: 2025-03-27. Review status: criteria provided, single submitter. Criteria: Ambry Variant Classification Scheme 2023. Collection method: clinical testing. Allele origin: germline.

Blueprint Genetics
Classification: Benign. Last evaluated: 2024-10-18. Review status: criteria provided, single submitter. Criteria: ACMG Guidelines, 2015. Collection method: clinical testing. Allele origin: germline.

PreventionGenetics, part of Exact Sciences
Classification: Likely benign for PLK4-related condition. Last evaluated: 2023-12-29. Review status: no assertion criteria provided. Collection method: clinical testing. Allele origin: germline. Not counted in ClinVar's aggregate classification.
Comment: This variant is classified as likely benign based on ACMG/AMP sequence variant interpretation guidelines (Richards et al. 2015 PMID: 25741868, with internal and published modifications).

Dr. Peter K. Rogan Lab, Western University
No classification provided (evidence only). Condition: Ovarian cancer. Review status: no classification provided. Collection method: in vitro. Allele origin: not applicable. Functional consequence: retained intron. Not counted in ClinVar's aggregate classification.